The following is an entry in ClinVar:

NM_173551.5(ANKS6):c.1683_1698dup (p.Phe567fs)

Gene: ANKS6 (ankyrin repeat and sterile alpha motif domain containing 6; minus strand). Cytogenetic location: 9q22.33.
Variant type: Duplication.
Coding change: c.1683_1698dup on transcript NM_173551.5 (MANE Select); coding-DNA positions 1683 to 1698, 16 bases duplicated (CCTACCCCCTTCCAGT).
Protein change: p.Phe567fs; shifts the reading frame from phenylalanine 567.
Molecular consequence: frameshift variant.
Genome position (GRCh38, 1-based): chr9:98,774,000-98,774,015, ACTGGAAGGGGGTAGG duplicated on the plus strand (CCTACCCCCTTCCAGT on the coding strand, the reverse complement: ANKS6 is on the minus strand); duplicating any 16 consecutive bases within chr9:98,774,000-98,774,016 gives the same sequence; the c. name uses the placement nearest the transcript's 3' end. VCF-style (leftmost placement, unchanged base first): chr9-98773999-A-AACTGGAAGGGGGTAGG. GRCh37 (hg19) VCF-style: chr9-101536281-A-AACTGGAAGGGGGTAGG.
Other names: short protein forms F567fs.
Identifiers: ClinVar variation 2883386 (VCV002883386.3), dbSNP rs2490390282, ClinGen allele CA2739264864.
Genomic context (GRCh38, chr9:98,773,999, plus strand): 5'-TCATGGGGTCTGCCTTCCCGTTGTGACGCGTCCGGGACCGATCAGAGCTCCACAGCTCAA[A>AACTGGAAGGGGGTAGG]ACTGGAAGGGGGTAGGAATGGGGGGATGACTGCTTTCAGCTTGTCACTCGGGAGTCTGGT-3'

ClinVar aggregate classification (germline): Pathogenic (1 of 4 stars; one submission).

Conditions:
Nephronophthisis 16 (NPHP16). Identifiers: Orphanet 655, MedGen C3809320, MONDO:0014158, OMIM 615382.

Submission:

Labcorp Genetics (formerly Invitae), Labcorp
Classification: Pathogenic for Nephronophthisis 16. Last evaluated: 2024-12-04. Review status: criteria provided, single submitter. Criteria: Invitae Variant Classification Sherloc (09022015). Collection method: clinical testing. Allele origin: germline.
Comment: This sequence change creates a premature translational stop signal (p.Phe567Profs*7) in the ANKS6 gene. It is expected to result in an absent or disrupted protein product. Loss-of-function variants in ANKS6 are known to be pathogenic (PMID: 23793029, 25599650). This variant is not present in population databases (gnomAD no frequency). This variant has not been reported in the literature in individuals affected with ANKS6-related conditions. ClinVar contains an entry for this variant (Variation ID: 2883386). For these reasons, this variant has been classified as Pathogenic.

Literature cited by the submitters: PubMed 23793029; PubMed 25599650.